The following is an entry in ClinVar:

ClinVar aggregate classification (germline): Uncertain significance (1 of 4 stars; one submission).

Submission:

Ambry Genetics
Classification: Uncertain significance. Last evaluated: 2023-10-24. Review status: criteria provided, single submitter. Criteria: Ambry Variant Classification Scheme 2023. Collection method: clinical testing. Allele origin: germline.
Comment: The p.Y1991C variant (also known as c.5972A>G), located in coding exon 9 of the ALPK2 gene, results from an A to G substitution at nucleotide position 5972. The tyrosine at codon 1991 is replaced by cysteine, an amino acid with highly dissimilar properties. This amino acid position is conserved. In addition, the in silico prediction for this alteration is inconclusive. Since supporting evidence is limited at this time, the clinical significance of this alteration remains unclear.

NM_052947.4(ALPK2):c.5972A>G (p.Tyr1991Cys)

Gene: ALPK2 (alpha kinase 2; minus strand). Cytogenetic location: 18q21.31.
Variant type: single nucleotide variant.
Coding change: c.5972A>G on transcript NM_052947.4 (MANE Select); coding-DNA position 5972, A replaced by G.
Protein change: p.Tyr1991Cys; replaces tyrosine 1991 with cysteine.
Molecular consequence: missense variant.
Genome position (GRCh38, 1-based): chr18:58,515,050, T>C on the plus strand (A>G on the coding strand, the complement: ALPK2 is on the minus strand). VCF-style: chr18-58515050-T-C. GRCh37 (hg19) VCF-style: chr18-56182282-T-C.
Other names: short protein forms Y1991C.
Identifiers: ClinVar variation 3228828 (VCV003228828.1), dbSNP rs2518861344, ClinGen allele CA402546345.
Genomic context (GRCh38, chr18:58,515,050, plus strand): 5'-TACTCAGGTACTTCTCCAAAGCCTTCCAGAGGCTGTGCTTCAGCAGCGTAGATCTTGGCA[T>C]AATACCTGGCAGTATTTTGAACATAGCATTCCTATATCGCCAAAATACATAGAAAGCCCC-3'
Protein context (NP_443179.3, residues 1981-2001): ECYVQNTARY[Tyr1991Cys]AKIYAAEAQP